The following is an entry in ClinVar:

ClinVar aggregate classification (germline): Uncertain significance (1 of 4 stars; one submission).

Conditions:
Dystonia 12 (DYT12). Also called: DYT-ATP1A3; Rapid-Onset Dystonia-Parkinsonism (RDP). Identifiers: Orphanet 71517, MedGen C1868681, MONDO:0007496, OMIM 128235.

Submission:

Labcorp Genetics (formerly Invitae), Labcorp
Classification: Uncertain significance for Dystonia 12. Last evaluated: 2024-07-23. Review status: criteria provided, single submitter. Criteria: Invitae Variant Classification Sherloc (09022015). Collection method: clinical testing. Allele origin: germline.
Comment: This sequence change falls in intron 15 of the ATP1A3 gene. It does not directly change the encoded amino acid sequence of the ATP1A3 protein. It affects a nucleotide within the consensus splice site. This variant is not present in population databases (gnomAD no frequency). This variant has not been reported in the literature in individuals affected with ATP1A3-related conditions. Variants that disrupt the consensus splice site are a relatively common cause of aberrant splicing (PMID: 17576681, 9536098). Algorithms developed to predict the effect of sequence changes on RNA splicing suggest that this variant is not likely to affect RNA splicing. In summary, the available evidence is currently insufficient to determine the role of this variant in disease. Therefore, it has been classified as a Variant of Uncertain Significance.

Literature cited by the submitters: PubMed 17576681; PubMed 9536098.

NM_152296.5(ATP1A3):c.2094+4G>T

Gene: ATP1A3 (ATPase Na+/K+ transporting subunit alpha 3; minus strand). Cytogenetic location: 19q13.2.
Variant type: single nucleotide variant.
Coding change: c.2094+4G>T on transcript NM_152296.5 (MANE Select); 4 bases into the intron after coding-DNA position 2094, G replaced by T.
Molecular consequence: intron variant.
Genome position (GRCh38, 1-based): chr19:41,976,412, C>A on the plus strand (G>T on the coding strand, the complement: ATP1A3 is on the minus strand). VCF-style: chr19-41976412-C-A. GRCh37 (hg19) VCF-style: chr19-42480564-C-A.
Other names: c.2133+4G>T (NM_001256214.2); c.2127+4G>T (NM_001256213.2).
Identifiers: ClinVar variation 3652346 (VCV003652346.2).